The following is an entry in ClinVar:

NM_015631.6(TCTN3):c.1111A>G (p.Thr371Ala)

Gene: TCTN3 (tectonic family member 3; minus strand). Cytogenetic location: 10q24.1.
Variant type: single nucleotide variant.
Coding change: c.1111A>G on transcript NM_015631.6 (MANE Select); coding-DNA position 1111, A replaced by G.
Protein change: p.Thr371Ala; replaces threonine 371 with alanine.
Molecular consequence: missense variant.
Genome position (GRCh38, 1-based): chr10:95,683,614, T>C on the plus strand (A>G on the coding strand, the complement: TCTN3 is on the minus strand). VCF-style: chr10-95683614-T-C. GRCh37 (hg19) VCF-style: chr10-97443371-T-C.
Other names: c.667A>G, p.Thr223Ala (NM_001143973.2); short protein forms T371A, T223A.
Identifiers: ClinVar variation 1389233 (VCV001389233.5), dbSNP rs768480385, ClinGen allele CA5620946.

ClinVar aggregate classification (germline): Uncertain significance (1 of 4 stars; one submission).

Conditions:
Joubert syndrome 18 (JBTS18). Identifiers: Orphanet 2754, MedGen C3553758, MONDO:0013896, OMIM 614815.
Orofacial-digital syndrome IV (OFD4). Also called: BARAITSER-BURN SYNDROME; MOHR-MAJEWSKI SYNDROME; OFD SYNDROME WITH TIBIAL DEFECTS; OFD SYNDROME, BARAITSER-BURN TYPE; OFDS IV; ORAL-FACIAL-DIGITAL SYNDROME, TYPE IV. Identifiers: Orphanet 2753, MedGen C0406727, MONDO:0009794, OMIM 258860.

Allele frequency attached by ClinVar (database versions not stated): gnomAD exomes below 0.00001 and 0.00001; ExAC 0.00001; gnomAD 0.00001; TOPMed 0.00001.
gnomAD v4.1: 5 of 1,611,424 alleles (0.00031%); highest among the groups gnomAD compares: East Asian, 0.011%; no homozygotes.

Submission:

Labcorp Genetics (formerly Invitae), Labcorp
Classification: Uncertain significance for Joubert syndrome 18; Orofacial-digital syndrome IV. Last evaluated: 2021-09-01. Review status: criteria provided, single submitter. Criteria: Invitae Variant Classification Sherloc (09022015). Collection method: clinical testing. Allele origin: germline.
Comment: This sequence change replaces threonine with alanine at codon 371 of the TCTN3 protein (p.Thr371Ala). The threonine residue is weakly conserved and there is a small physicochemical difference between threonine and alanine. This variant is present in population databases (rs768480385, ExAC 0.01%). This variant has not been reported in the literature in individuals affected with TCTN3-related conditions. Algorithms developed to predict the effect of missense changes on protein structure and function output the following: SIFT: "Tolerated"; PolyPhen-2: "Benign"; Align-GVGD: "Class C0". The alanine amino acid residue is found in multiple mammalian species, which suggests that this missense change does not adversely affect protein function. In summary, the available evidence is currently insufficient to determine the role of this variant in disease. Therefore, it has been classified as a Variant of Uncertain Significance.